The following is an entry in ClinVar:

NM_000059.4(BRCA2):c.5119dup (p.Thr1707fs)

Gene: BRCA2 (BRCA2 DNA repair associated; plus strand). Cytogenetic location: 13q13.1.
Variant type: Duplication.
Coding change: c.5119dup on transcript NM_000059.4 (MANE Select); coding-DNA position 5119, one base duplicated (A; older notation c.5119dupA).
Protein change: p.Thr1707fs; shifts the reading frame from threonine 1707.
Molecular consequence: frameshift variant.
Genome position (GRCh38, 1-based): chr13:32,339,474, A duplicated. VCF-style (leftmost placement, unchanged base first): chr13-32339473-T-TA. GRCh37 (hg19) VCF-style: chr13-32913610-T-TA.
Other names: 5347insA; c.5119dupA (NM_000059.3); short protein forms T1707fs.
Identifiers: ClinVar variation 266850 (VCV000266850.16), dbSNP rs886040567, ClinGen allele CA10589288.
Genomic context (GRCh38, chr13:32,339,473, plus strand): 5'-ACTTGAAGCAAAAAAATGGCTTAGAGAAGGAATATTTGATGGTCAACCAGAAAGAATAAA[T>TA]ACTGCAGATTATGTAGGAAATTATTTGTATGAAAATAATTCAAACAGTACTATAGCTGAA-3'

ClinVar aggregate classification (germline): Pathogenic. Review status: reviewed by expert panel (3 of 4 stars). 6 submissions from 6 submitters: Pathogenic (1). 5 of the submissions do not count toward it. Last evaluated 2016-10-18.

Conditions:
Breast-ovarian cancer, familial, susceptibility to, 2 (BROVCA2). Also called: BRCA2 Hereditary Breast and Ovarian Cancer. Identifiers: Orphanet 145, MedGen C2675520, MONDO:0012933, OMIM 612555. Disease mechanism: loss of function.
Hereditary cancer-predisposing syndrome. Also called: Hereditary Cancer Syndrome; Neoplastic Syndromes, Hereditary; Hereditary neoplastic syndrome; Tumor predisposition. Identifiers: Orphanet 140162, MedGen C0027672, MeSH D009386, MONDO:0015356.
Hereditary breast ovarian cancer syndrome. Also called: Hereditary breast and ovarian cancer syndrome (HBOC); Breast and ovarian cancer; Hereditary breast and ovarian cancer syndrome; Hereditary breast and ovarian cancer; BRCA1- and BRCA2-Associated Hereditary Breast and Ovarian Cancer; Hereditary breast and/or ovarian cancer syndrome. Identifiers: Orphanet 145, MedGen C0677776, MeSH D061325, MONDO:0003582. Disease mechanism: loss of function.
Breast-ovarian cancer, familial, susceptibility to, 1 (BROVCA1). Also called: BRCA1 Hereditary Breast and Ovarian Cancer; OVARIAN CANCER, SUSCEPTIBILITY TO. Identifiers: Orphanet 145, MedGen C2676676, MONDO:0011450, OMIM 604370. Disease mechanism: loss of function.

Submissions (6):

Evidence-based Network for the Interpretation of Germline Mutant Alleles (ENIGMA)
Classification: Pathogenic for Breast-ovarian cancer, familial, susceptibility to, 2. Last evaluated: 2016-10-18. Review status: reviewed by expert panel. Criteria: ENIGMA BRCA1/2 Classification Criteria (2015). Collection method: curation. Allele origin: germline.
Comment: Variant allele predicted to encode a truncated non-functional protein.

Labcorp Genetics (formerly Invitae), Labcorp
Classification: Pathogenic for Hereditary breast ovarian cancer syndrome. Last evaluated: 2024-08-19. Review status: criteria provided, single submitter. Criteria: Invitae Variant Classification Sherloc (09022015). Collection method: clinical testing. Allele origin: germline. Not counted in ClinVar's aggregate classification.
Comment: This sequence change creates a premature translational stop signal (p.Thr1707Asnfs*11) in the BRCA2 gene. It is expected to result in an absent or disrupted protein product. Loss-of-function variants in BRCA2 are known to be pathogenic (PMID: 20104584). This variant is not present in population databases (gnomAD no frequency). This premature translational stop signal has been observed in individual(s) with clinical features of BRCA2-related conditions (PMID: 29446198). ClinVar contains an entry for this variant (Variation ID: 266850). For these reasons, this variant has been classified as Pathogenic.

Ambry Genetics
Classification: Pathogenic for Hereditary cancer-predisposing syndrome. Last evaluated: 2021-03-13. Review status: criteria provided, single submitter. Criteria: Ambry Variant Classification Scheme 2023. Collection method: clinical testing. Allele origin: germline. Not counted in ClinVar's aggregate classification.
Comment: The c.5119dupA pathogenic mutation, located in coding exon 10 of the BRCA2 gene, results from a duplication of A at nucleotide position 5119, causing a translational frameshift with a predicted alternate stop codon (p.T1707Nfs*11). This alteration was identified in a large, worldwide study of BRCA1/2 mutation positive families (Rebbeck TR et al. Hum Mutat, 2018 05;39:593-620). In addition to the clinical data presented in the literature, this alteration is expected to result in loss of function by premature protein truncation or nonsense-mediated mRNA decay. As such, this alteration is interpreted as a disease-causing mutation.

Women's Health and Genetics/Laboratory Corporation of America, LabCorp
Classification: Pathogenic for Hereditary breast and ovarian cancer syndrome. Last evaluated: 2020-05-11. Review status: criteria provided, single submitter. Criteria: LabCorp Variant Classification Summary - May 2015. Collection method: clinical testing. Allele origin: germline. Not counted in ClinVar's aggregate classification.
Comment: Variant summary: BRCA2 c.5119dupA (p.Thr1707AsnfsX11) results in a premature termination codon, predicted to cause a truncation of the encoded protein or absence of the protein due to nonsense mediated decay, which are commonly known mechanisms for disease. Truncations downstream of this position have been classified as pathogenic by our laboratory. The variant was absent in 231046 control chromosomes (gnomAD). c.5119dupA has been reported in the literature in families affected with Hereditary Breast and Ovarian Cancer Syndrome (Rebbeck_2018). These data indicate that the variant may be associated with disease. To our knowledge, no experimental evidence demonstrating an impact on protein function has been reported Two submitters, including an expert panel (ENIGMA), have provided clinical-significance assessments for this variant in ClinVar after 2014, and classified the variant as pathogenic. Based on the evidence outlined above, the variant was classified as pathogenic.

Department of Molecular Diagnostics, Institute of Oncology Ljubljana
Classification: Pathogenic for Breast-ovarian cancer, familial, susceptibility to, 1. Last evaluated: 2020-04-02. Review status: criteria provided, single submitter. Criteria: ACMG Guidelines, 2015. Collection method: clinical testing. Allele origin: germline. Affected: yes. Not counted in ClinVar's aggregate classification.

Consortium of Investigators of Modifiers of BRCA1/2 (CIMBA), c/o University of Cambridge
Classification: Pathogenic for Breast-ovarian cancer, familial, susceptibility to, 2. Last evaluated: 2015-10-02. Review status: criteria provided, single submitter. Criteria: CIMBA Mutation Classification guidelines May 2016. Collection method: clinical testing. Allele origin: germline. Not counted in ClinVar's aggregate classification.

Literature cited by the submitters: PubMed 20104584 (cited by Labcorp Genetics (formerly Invitae), Labcorp); PubMed 29446198 (cited by 3 submitters).